The following is an entry in ClinVar:

ClinVar aggregate classification (germline): Uncertain significance (1 of 4 stars; one submission).

Conditions:
Brugada syndrome 4 (BRGDA4). Identifiers: Orphanet 130, MedGen C2678477, MONDO:0012743, OMIM 611876.

gnomAD v4.1: 3 of 1,613,674 alleles (0.00019%); highest among the groups gnomAD compares: Non-Finnish European, 0.00025%; no homozygotes.

Submission:

Labcorp Genetics (formerly Invitae), Labcorp
Classification: Uncertain significance for Brugada syndrome 4. Last evaluated: 2023-01-28. Review status: criteria provided, single submitter. Criteria: Invitae Variant Classification Sherloc (09022015). Collection method: clinical testing. Allele origin: germline.
Comment: This sequence change creates a premature translational stop signal (p.Tyr513*) in the CACNB2 gene. While this is not anticipated to result in nonsense mediated decay, it is expected to disrupt the last 94 amino acid(s) of the CACNB2 protein. This variant has not been reported in the literature in individuals affected with CACNB2-related conditions. This variant is not present in population databases (gnomAD no frequency). Experimental studies and prediction algorithms are not available or were not evaluated, and the functional significance of this variant is currently unknown. In summary, the available evidence is currently insufficient to determine the role of this variant in disease. Therefore, it has been classified as a Variant of Uncertain Significance.

NM_201596.3(CACNB2):c.1701C>G (p.Tyr567Ter)

Gene: CACNB2 (calcium voltage-gated channel auxiliary subunit beta 2; plus strand). Cytogenetic location: 10p12.31.
Variant type: single nucleotide variant.
Coding change: c.1701C>G on transcript NM_201596.3 (MANE Select); coding-DNA position 1701, C replaced by G.
Protein change: p.Tyr567Ter; replaces tyrosine 567 with a stop codon.
Molecular consequence: nonsense.
Genome position (GRCh38, 1-based): chr10:18,539,442, C>G. VCF-style: chr10-18539442-C-G. GRCh37 (hg19) VCF-style: chr10-18828371-C-G.
Other names: c.1422C>G, p.Tyr474Ter (NM_001330060.2); c.1443C>G, p.Tyr481Ter (NM_001410882.1); c.1557C>G, p.Tyr519Ter (NM_201570.3); c.1617C>G, p.Tyr539Ter (NM_201571.4); c.1545C>G, p.Tyr515Ter (NM_201572.4); c.1539C>G, p.Tyr513Ter (NM_201590.3); c.1587C>G, p.Tyr529Ter (NM_201593.3); c.1629C>G, p.Tyr543Ter (NM_201597.3); and 2 more; short protein forms Y501*, Y512*, Y529*, Y513*, Y515*, Y539*, Y567*, Y519*.
Identifiers: ClinVar variation 2796633 (VCV002796633.3), dbSNP rs2228645, ClinGen allele CA376071807.